The following is an entry in ClinVar:

ClinVar aggregate classification (germline): Uncertain significance. Review status: criteria provided, multiple submitters, no conflicts (2 of 4 stars). 3 submissions from 3 submitters: Uncertain significance (3). Last evaluated 2025-11-24.

Conditions:
Cardiovascular phenotype. Identifiers: MedGen CN230736.
Dilated cardiomyopathy 1W (CMD1W). Identifiers: Orphanet 154, MedGen C1969639, MONDO:0012667, OMIM 611407.

Allele frequency attached by ClinVar (database versions not stated): gnomAD exomes 0.00005; TOPMed 0.00007.
gnomAD v4.1: 41 of 1,614,022 alleles (0.0025%); highest among the groups gnomAD compares: Admixed American, 0.0067%; no homozygotes.

Submissions (3):

Ambry Genetics
Classification: Uncertain significance for Cardiovascular phenotype. Last evaluated: 2025-11-24. Review status: criteria provided, single submitter. Criteria: Ambry Variant Classification Scheme 2023. Collection method: clinical testing. Allele origin: germline.
Comment: The p.R758H variant (also known as c.2273G>A), located in coding exon 16 of the VCL gene, results from a G to A substitution at nucleotide position 2273. The arginine at codon 758 is replaced by histidine, an amino acid with highly similar properties. This amino acid position is conserved. In addition, the in silico prediction for this alteration is inconclusive. Since supporting evidence is limited at this time, the clinical significance of this alteration remains unclear.

Labcorp Genetics (formerly Invitae), Labcorp
Classification: Uncertain significance for Dilated cardiomyopathy 1W. Last evaluated: 2025-08-25. Review status: criteria provided, single submitter. Criteria: Invitae Variant Classification Sherloc (09022015). Collection method: clinical testing. Allele origin: germline.
Comment: This sequence change replaces arginine, which is basic and polar, with histidine, which is basic and polar, at codon 758 of the VCL protein (p.Arg758His). This variant is present in population databases (rs371970354, gnomAD 0.01%). This variant has not been reported in the literature in individuals affected with VCL-related conditions. ClinVar contains an entry for this variant (Variation ID: 652185). An algorithm developed to predict the effect of missense changes on protein structure and function (PolyPhen-2) suggests that this variant is likely to be disruptive. In summary, the available evidence is currently insufficient to determine the role of this variant in disease. Therefore, it has been classified as a Variant of Uncertain Significance.

Molecular Diagnostic Laboratory for Inherited Cardiovascular Disease, Montreal Heart Institute
Classification: Uncertain significance for Cardiovascular phenotype. Last evaluated: 2025-04-09. Review status: criteria provided, single submitter. Criteria: ACMG Guidelines, 2015. Collection method: clinical testing. Allele origin: germline. Affected: yes.
Comment: PM2, PP3

NM_014000.3(VCL):c.2273G>A (p.Arg758His)

Gene: VCL (vinculin; plus strand). Cytogenetic location: 10q22.2.
Variant type: single nucleotide variant.
Coding change: c.2273G>A on transcript NM_014000.3 (MANE Select); coding-DNA position 2273, G replaced by A.
Protein change: p.Arg758His; replaces arginine 758 with histidine.
Molecular consequence: missense variant.
Genome position (GRCh38, 1-based): chr10:74,105,192, G>A. VCF-style: chr10-74105192-G-A. GRCh37 (hg19) VCF-style: chr10-75864950-G-A.
Other names: c.2273G>A, p.Arg758His (NM_003373.4); short protein forms R758H.
Identifiers: ClinVar variation 652185 (VCV000652185.11), dbSNP rs371970354, ClinGen allele CA5563183.
Genomic context (GRCh38, chr10:74,105,192, plus strand): 5'-AGGTAGCTATGGCCAACATTCAGCCTCAGATGCTGGTTGCTGGGGCAACCAGTATTGCTC[G>A]TCGGGCCAACCGGATCCTGCTGGTGGCTAAGAGGGAGGTGGAGAATTCCGAGGATCCCAA-3'
Protein context (NP_054706.1, residues 748-768): MLVAGATSIA[Arg758His]RANRILLVAK